The following is an entry in ClinVar:

ClinVar aggregate classification (germline): Likely benign (1 of 4 stars; one submission).

Allele frequency attached by ClinVar (database versions not stated): ExAC 0.00046; gnomAD 0.00148; TOPMed 0.00150; ESP Exome Variant Server 0.00175; 1000 Genomes Project 0.00180; 1000 Genomes Project 30x 0.00219.
gnomAD v4.1: 426 of 1,551,618 alleles (0.027%); highest among the groups gnomAD compares: African/African-American, 0.43%; 3 homozygotes.

Submission:

CeGaT Center for Human Genetics Tuebingen
Classification: Likely benign. Last evaluated: 2023-02-01. Review status: criteria provided, single submitter. Criteria: CeGaT Center For Human Genetics Tuebingen Variant Classification Criteria Version 2. Collection method: clinical testing. Allele origin: germline. Affected: yes. Observed: 1 variant allele.
Comment: ERICH6B: BP4, BP7

NM_182542.3(ERICH6B):c.1944C>G (p.Ala648=)

Gene: ERICH6B (glutamate rich 6B; minus strand). Cytogenetic location: 13q14.13.
Variant type: single nucleotide variant.
Coding change: c.1944C>G on transcript NM_182542.3 (MANE Select); coding-DNA position 1944, C replaced by G.
Protein change: p.Ala648=; no amino-acid change (alanine 648 retained).
Molecular consequence: synonymous variant.
Genome position (GRCh38, 1-based): chr13:45,541,609, G>C on the plus strand (C>G on the coding strand, the complement: ERICH6B is on the minus strand). VCF-style: chr13-45541609-G-C. GRCh37 (hg19) VCF-style: chr13-46115744-G-C.
Identifiers: ClinVar variation 2643800 (VCV002643800.24), dbSNP rs369978802, ClinGen allele CA6972827.